The following is an entry in ClinVar:

NM_001142800.2(EYS):c.7447dup (p.Leu2483fs)

Gene: EYS (EGF-like photoreceptor maintenance factor; minus strand). Cytogenetic location: 6q12.
Variant type: Duplication.
Coding change: c.7447dup on transcript NM_001142800.2 (MANE Select); coding-DNA position 7447, one base duplicated (C; older notation c.7447dupC).
Protein change: p.Leu2483fs; shifts the reading frame from leucine 2483.
Molecular consequence: frameshift variant.
Genome position (GRCh38, 1-based): chr6:63,789,189, G duplicated on the plus strand (C on the coding strand, the reverse complement: EYS is on the minus strand). VCF-style (leftmost placement, unchanged base first): chr6-63789188-A-AG. GRCh37 (hg19) VCF-style: chr6-64499081-A-AG.
Other names: c.7447dup, p.Leu2483fs (NM_001292009.2); short protein forms L2483fs.
Identifiers: ClinVar variation 3008676 (VCV003008676.3), dbSNP rs1452804900, ClinGen allele CA568119036.

ClinVar aggregate classification (germline): Pathogenic (1 of 4 stars; one submission).

Allele frequency attached by ClinVar (database versions not stated): gnomAD exomes 0.00001.

Submission:

Labcorp Genetics (formerly Invitae), Labcorp
Classification: Pathogenic. Last evaluated: 2023-09-19. Review status: criteria provided, single submitter. Criteria: Invitae Variant Classification Sherloc (09022015). Collection method: clinical testing. Allele origin: germline.
Comment: For these reasons, this variant has been classified as Pathogenic. This variant has not been reported in the literature in individuals affected with EYS-related conditions. This variant is present in population databases (no rsID available, gnomAD 0.002%). This sequence change creates a premature translational stop signal (p.Leu2483Profs*8) in the EYS gene. It is expected to result in an absent or disrupted protein product. Loss-of-function variants in EYS are known to be pathogenic (PMID: 18836446, 20333770).

Literature cited by the submitters: PubMed 18836446; PubMed 20333770.